The following is an entry in ClinVar:

ClinVar aggregate classification (germline): Benign (0 of 4 stars; one submission).

Conditions:
MYOM2-related disorder. Also called: MYOM2-related condition.

Allele frequency attached by ClinVar (database versions not stated): 1000 Genomes Project 0.24081; 1000 Genomes Project 30x 0.24282; ExAC 0.24714; gnomAD exomes 0.25952; gnomAD 0.25961; TOPMed 0.25988; ESP Exome Variant Server 0.26226.
gnomAD v4.1: 419,159 of 1,613,914 alleles (26%); highest among the groups gnomAD compares: Middle Eastern, 29%; 55,257 homozygotes.

Submission:

PreventionGenetics, part of Exact Sciences
Classification: Benign for MYOM2-related condition. Last evaluated: 2019-11-06. Review status: no assertion criteria provided. Collection method: clinical testing. Allele origin: germline.
Comment: This variant is classified as benign based on ACMG/AMP sequence variant interpretation guidelines (Richards et al. 2015 PMID: 25741868, with internal and published modifications).

NM_003970.4(MYOM2):c.4296A>G (p.Thr1432=)

Gene: MYOM2 (myomesin 2; plus strand). Cytogenetic location: 8p23.3.
Variant type: single nucleotide variant.
Coding change: c.4296A>G on transcript NM_003970.4 (MANE Select); coding-DNA position 4296, A replaced by G.
Protein change: p.Thr1432=; no amino-acid change (threonine 1432 retained).
Molecular consequence: synonymous variant.
Genome position (GRCh38, 1-based): chr8:2,144,879, A>G. VCF-style: chr8-2144879-A-G. GRCh37 (hg19) VCF-style: chr8-2092803-A-G.
Identifiers: ClinVar variation 3059904 (VCV003059904.2), dbSNP rs1063523, ClinGen allele CA170467307.
Genomic context (GRCh38, chr8:2,144,879, plus strand): 5'-CTCGGGCAAGTACAGCATCAACATCAAGAATAAGTATGGCGGGGAGAAGATCGACGTGAC[A>G]GTGAGCGTGTACAAACACGGGGAGAAGATCCCGGACATGGCCCCGCCCCAGCAAGCCAAG-3'
Protein context (NP_003961.3, residues 1422-1442): NKYGGEKIDV[Thr1432=]VSVYKHGEKI